The following is an entry in ClinVar:

ClinVar aggregate classification (germline): Likely pathogenic (1 of 4 stars; one submission).

Conditions:
Lissencephaly 8 (LIS8). Identifiers: MedGen C4310646, MONDO:0014992, OMIM 617255.

Submission:

Juno Genomics, Hangzhou Juno Genomics, Inc
Classification: Likely pathogenic for Lissencephaly 8. Review status: criteria provided, single submitter. Criteria: ACMG Guidelines, 2015. Collection method: clinical testing. Allele origin: germline.
Comment: Null variant in a gene where loss of function (LOF) is a known mechanism of disease.;Absent from controls (or at extremely low frequency if recessive) in Genome Aggregation Database.

NM_181783.4(TMTC3):c.624+1G>A

Gene: TMTC3 (transmembrane O-mannosyltransferase targeting cadherins 3; plus strand). Cytogenetic location: 12q21.32.
Variant type: single nucleotide variant.
Coding change: c.624+1G>A on transcript NM_181783.4 (MANE Select); the canonical splice donor site of the intron after coding-DNA position 624, G replaced by A.
Molecular consequence: splice donor variant.
Genome position (GRCh38, 1-based): chr12:88,160,230, G>A. VCF-style: chr12-88160230-G-A. GRCh37 (hg19) VCF-style: chr12-88554007-G-A.
Other names: c.405+1G>A (NM_001366579.1); c.444+1G>A (NM_001366574.1); c.357+1G>A (NM_001366580.1); c.-70+1G>A (NM_001366583.1).
Identifiers: ClinVar variation 5005202 (VCV005005202.2).
Genomic context (GRCh38, chr12:88,160,230, plus strand): 5'-GAACAAGGAATAACAGTTGTAGGAATTTGCTGTGTGTATGAAGTGTTTATTGCCCAGGGG[G>A]TAAGCCAAACTATAAATATATAAATTTTCTTATTGATATATTTTATCCTAGTTGAATCAA-3'